The following is an entry in ClinVar:

NM_000551.4(VHL):c.*3453A>G

Genes: VHL (von Hippel-Lindau tumor suppressor; plus strand), LOC107303340 (3p25 von Hippel-Lindau tumor suppressor, E3 ubiquitin protein ligase Alu-mediated recombination region; plus strand). Cytogenetic location: 3p25.3.
Variant type: single nucleotide variant.
Coding change: c.*3453A>G on transcript NM_000551.4 (MANE Select); 3453 bases downstream of the stop codon, A replaced by G.
Molecular consequence: 3 prime UTR variant.
Genome position (GRCh38, 1-based): chr3:10,153,418, A>G. VCF-style: chr3-10153418-A-G. GRCh37 (hg19) VCF-style: chr3-10195102-A-G.
Other names: c.*3649A>G (NM_001354723.2); c.*3453A>G (NM_198156.3).
Identifiers: ClinVar variation 902440 (VCV000902440.4), dbSNP rs140044688, ClinGen allele CA70055236.

ClinVar aggregate classification (germline): Benign (1 of 4 stars; one submission).

Conditions:
Von Hippel-Lindau syndrome (VHLS). Also called: von Hippel–Lindau syndrome; Von Hippel-Lindau; VHL syndrome. Identifiers: Orphanet 892, MedGen C0019562, MONDO:0008667, OMIM 193300. Disease mechanism: loss of function.

Allele frequency attached by ClinVar (database versions not stated): gnomAD 0.00596 and 0.00642; 1000 Genomes Project 0.00679; TOPMed 0.00699; 1000 Genomes Project 30x 0.00765.

Submission:

Illumina Laboratory Services, Illumina
Classification: Benign for Von Hippel-Lindau syndrome. Last evaluated: 2018-01-12. Review status: criteria provided, single submitter. Criteria: ICSL Variant Classification Criteria 13 December 2019. Collection method: clinical testing. Allele origin: germline.
Comment: This variant was observed in the ICSL laboratory as part of a predisposition screen in an ostensibly healthy population. It had not been previously curated by ICSL or reported in the Human Gene Mutation Database (HGMD: prior to June 1st, 2018), and was therefore a candidate for classification through an automated scoring system. Utilizing variant allele frequency, disease prevalence and penetrance estimates, and inheritance mode, an automated score was calculated to assess if this variant is too frequent to cause the disease. Based on the score and internal cut-off values, a variant classified as benign is not then subjected to further curation. The score for this variant resulted in a classification of benign for this disease.